The following is an entry in ClinVar:

ClinVar aggregate classification (germline): Likely pathogenic (1 of 4 stars; one submission).

Submission:

GeneDx
Classification: Likely pathogenic. Last evaluated: 2023-06-15. Review status: criteria provided, single submitter. Criteria: GeneDx Variant Classification Process June 2021. Collection method: clinical testing. Allele origin: germline. Affected: yes.
Comment: Frameshift variant predicted to result in protein truncation or nonsense mediated decay in a gene for which loss of function is a known mechanism of disease; Not observed at significant frequency in large population cohorts (gnomAD); Has not been previously published as pathogenic or benign to our knowledge

NM_197968.4(ZMYM2):c.2895_2896del (p.Glu965fs)

Gene: ZMYM2 (zinc finger MYM-type containing 2; plus strand). Cytogenetic location: 13q12.11.
Variant type: Microsatellite.
Coding change: c.2895_2896del on transcript NM_197968.4 (MANE Select); coding-DNA positions 2895 to 2896, 2 bases deleted (GA; older notation c.2895_2896delGA).
Protein change: p.Glu965fs; shifts the reading frame from glutamic acid 965.
Molecular consequence: frameshift variant. On other transcripts: non-coding transcript variant (1).
Genome position (GRCh38, 1-based): chr13:20,061,208-20,061,209, GA deleted; deleting any 2 consecutive bases within chr13:20,061,205-20,061,209 gives the same sequence; the c. name uses the placement nearest the transcript's 3' end. VCF-style (leftmost placement, unchanged base first): chr13-20061204-CAG-C. GRCh37 (hg19) VCF-style: chr13-20635344-CAG-C.
Other names: c.2895_2896del, p.Glu965fs (NM_001190964.4, NM_001190965.4, NM_001353157.2 and 5 more transcripts); c.2700_2701del, p.Glu900fs (NM_001353161.3); c.2634_2635del, p.Glu878fs (NM_001353163.2); short protein forms E878fs, E900fs, E965fs.
Identifiers: ClinVar variation 3359791 (VCV003359791.1).